The following is an entry in ClinVar:

NM_000152.5(GAA):c.1195-15_1201del

Gene: GAA (alpha glucosidase; plus strand). Cytogenetic location: 17q25.3.
Variant type: Deletion.
Coding change: c.1195-15_1201del on transcript NM_000152.5 (MANE Select); 15 bases into the intron before coding-DNA position 1195 through coding-DNA position 1201, 22 bases deleted (GTGTTGTGGCTGCAGGACGTCC).
Molecular consequence: splice acceptor variant.
Genome position (GRCh38, 1-based): chr17:80,108,682-80,108,703, GTGTTGTGGCTGCAGGACGTCC deleted; deleting any 22 consecutive bases within chr17:80,108,680-80,108,703 gives the same sequence; the c. name uses the placement nearest the transcript's 3' end. VCF-style (leftmost placement, unchanged base first): chr17-80108679-CCCGTGTTGTGGCTGCAGGACGT-C. GRCh37 (hg19) VCF-style: chr17-78082478-CCCGTGTTGTGGCTGCAGGACGT-C.
Other names: c.1195-15_1201del (NM_001406741.1, NM_001406742.1, NM_001079803.3 and 1 more transcripts).
Identifiers: ClinVar variation 4876538 (VCV004876538.1).

ClinVar aggregate classification (germline): Likely pathogenic (1 of 4 stars; one submission).

Conditions:
Glycogen storage disease, type II (IOPD). Also called: Pompe Disease; CARDIOMEGALIA GLYCOGENICA DIFFUSA; GLYCOGENOSIS, GENERALIZED, CARDIAC FORM; GSD II; POMPE DISEASE, INFANTILE-ONSET; GLYCOGEN STORAGE DISEASE II, INFANTILE-ONSET. Identifiers: Orphanet 365, MedGen C0017921, MONDO:0009290, OMIM 232300.

Submission:

Genomenon, Inc
Classification: Likely pathogenic for Glycogen storage disease, type II. Last evaluated: 2026-07-01. Review status: criteria provided, single submitter. Criteria: Genomenon Sequence Variant Interpretation Standards - Updated. Collection method: curation. Allele origin: germline. Affected: no.
Comment: GAA c.1195-15_1201del is a deletion that affects the acceptor splice site of intron 7. It is predicted to affect mRNA splicing, leading to a deleterious effect on the GAA protein. This variant has been reported in the published literature (PMID:33197157). It is absent or not present at a significant frequency in gnomAD. In conclusion, we classify GAA c.1195-15_1201del as a likely pathogenic variant.

Literature cited by the submitters: PubMed 33197157.